The following is an entry in ClinVar:

NM_016816.4(OAS1):c.931G>A (p.Gly311Arg)

Gene: OAS1 (2'-5'-oligoadenylate synthetase 1; plus strand). Cytogenetic location: 12q24.13.
Variant type: single nucleotide variant.
Coding change: c.931G>A on transcript NM_016816.4 (MANE Select); coding-DNA position 931, G replaced by A.
Protein change: p.Gly311Arg; replaces glycine 311 with arginine.
Molecular consequence: missense variant.
Genome position (GRCh38, 1-based): chr12:112,917,593, G>A. VCF-style: chr12-112917593-G-A. GRCh37 (hg19) VCF-style: chr12-113355398-G-A.
Other names: c.931G>A, p.Gly311Arg (NM_001032409.3, NM_001320151.2, NM_002534.4); short protein forms G311R.
Identifiers: ClinVar variation 1525203 (VCV001525203.6), dbSNP rs1305491513, ClinGen allele CA386807723.

ClinVar aggregate classification (germline): Uncertain significance (1 of 4 stars; one submission).

Allele frequency attached by ClinVar (database versions not stated): gnomAD exomes below 0.00001; TOPMed below 0.00001.
gnomAD v4.1: 1 of 1,614,216 alleles (0.000062%); highest among the groups gnomAD compares: Non-Finnish European, 0.000085%; no homozygotes.

Submission:

Labcorp Genetics (formerly Invitae), Labcorp
Classification: Uncertain significance. Last evaluated: 2024-05-29. Review status: criteria provided, single submitter. Criteria: Invitae Variant Classification Sherloc (09022015). Collection method: clinical testing. Allele origin: germline.
Comment: This sequence change replaces glycine, which is neutral and non-polar, with arginine, which is basic and polar, at codon 311 of the OAS1 protein (p.Gly311Arg). This variant is present in population databases (no rsID available, gnomAD 0.0009%). This variant has not been reported in the literature in individuals affected with OAS1-related conditions. ClinVar contains an entry for this variant (Variation ID: 1525203). Algorithms developed to predict the effect of missense changes on protein structure and function output the following: SIFT: "Not Available"; PolyPhen-2: "Benign"; Align-GVGD: "Not Available". The arginine amino acid residue is found in multiple mammalian species, which suggests that this missense change does not adversely affect protein function. In summary, the available evidence is currently insufficient to determine the role of this variant in disease. Therefore, it has been classified as a Variant of Uncertain Significance.